The following is an entry in ClinVar:

ClinVar aggregate classification (germline): Uncertain significance (1 of 4 stars; one submission).

Conditions:
Baller-Gerold syndrome (BGS). Also called: CRANIOSYNOSTOSIS WITH RADIAL DEFECTS. Identifiers: Orphanet 1225, MedGen C0265308, MONDO:0009039, OMIM 218600.

Submission:

Labcorp Genetics (formerly Invitae), Labcorp
Classification: Uncertain significance for Baller-Gerold syndrome. Last evaluated: 2024-10-06. Review status: criteria provided, single submitter. Criteria: Invitae Variant Classification Sherloc (09022015). Collection method: clinical testing. Allele origin: germline.
Comment: This sequence change replaces alanine, which is neutral and non-polar, with serine, which is neutral and polar, at codon 1045 of the RECQL4 protein (p.Ala1045Ser). This variant is not present in population databases (gnomAD no frequency). This variant has not been reported in the literature in individuals affected with RECQL4-related conditions. Invitae Evidence Modeling of protein sequence and biophysical properties (such as structural, functional, and spatial information, amino acid conservation, physicochemical variation, residue mobility, and thermodynamic stability) indicates that this missense variant is not expected to disrupt RECQL4 protein function with a negative predictive value of 80%. In summary, the available evidence is currently insufficient to determine the role of this variant in disease. Therefore, it has been classified as a Variant of Uncertain Significance.

NM_004260.4(RECQL4):c.3133G>T (p.Ala1045Ser)

Gene: RECQL4 (RecQ like helicase 4; minus strand). Cytogenetic location: 8q24.3.
Variant type: single nucleotide variant.
Coding change: c.3133G>T on transcript NM_004260.4 (MANE Select); coding-DNA position 3133, G replaced by T.
Protein change: p.Ala1045Ser; replaces alanine 1045 with serine.
Molecular consequence: missense variant. On other transcripts: non-coding transcript variant (3).
Genome position (GRCh38, 1-based): chr8:144,512,247, C>A on the plus strand (G>T on the coding strand, the complement: RECQL4 is on the minus strand). VCF-style: chr8-144512247-C-A. GRCh37 (hg19) VCF-style: chr8-145737630-C-A.
Other names: c.2071G>T, p.Ala691Ser (NM_001413041.1); c.2032G>T, p.Ala678Ser (NM_001413042.1); c.1666G>T, p.Ala556Ser (NM_001413043.1); c.1864G>T, p.Ala622Ser (NM_001413038.1, NM_001413031.1); c.3103G>T, p.Ala1035Ser (NM_001413039.1); c.2062G>T, p.Ala688Ser (NM_001413040.1, NM_001413034.1, NM_001413035.1 and 4 more transcripts); c.2782G>T, p.Ala928Ser (NM_001413029.1); c.1996G>T, p.Ala666Ser (NM_001413030.1, NM_001413032.1, NM_001413027.1); and 9 more; short protein forms A1045S, A1070S, A678S, A691S, A928S, A979S, A1002S, A1013S.
Identifiers: ClinVar variation 3710210 (VCV003710210.2).